The following is an entry in ClinVar:

ClinVar aggregate classification (germline): Likely benign (1 of 4 stars; one submission).

gnomAD v4.1: 3 of 1,614,114 alleles (0.00019%); highest among the groups gnomAD compares: Admixed American, 0.005%; no homozygotes.

Submission:

CeGaT Center for Human Genetics Tuebingen
Classification: Likely benign. Last evaluated: 2025-10-01. Review status: criteria provided, single submitter. Criteria: CeGaT Center For Human Genetics Tuebingen Variant Classification Criteria Version 2. Collection method: clinical testing. Allele origin: germline. Affected: yes. Observed: 1 variant allele.
Comment: KDM3B: BP4

NM_016604.4(KDM3B):c.2088T>G (p.Thr696=)

Gene: KDM3B (lysine demethylase 3B; plus strand). Cytogenetic location: 5q31.2.
Variant type: single nucleotide variant.
Coding change: c.2088T>G on transcript NM_016604.4 (MANE Select); coding-DNA position 2088, T replaced by G.
Protein change: p.Thr696=; no amino-acid change (threonine 696 retained).
Molecular consequence: synonymous variant.
Genome position (GRCh38, 1-based): chr5:138,391,720, T>G. VCF-style: chr5-138391720-T-G. GRCh37 (hg19) VCF-style: chr5-137727409-T-G.
Identifiers: ClinVar variation 4535045 (VCV004535045.6).